The following is an entry in ClinVar:

NM_000306.4(POU1F1):c.337C>A (p.Arg113=)

Gene: POU1F1 (POU class 1 homeobox 1; minus strand). Cytogenetic location: 3p11.2.
Variant type: single nucleotide variant.
Coding change: c.337C>A on transcript NM_000306.4 (MANE Select); coding-DNA position 337, C replaced by A.
Protein change: p.Arg113=; no amino-acid change (arginine 113 retained).
Molecular consequence: synonymous variant.
Genome position (GRCh38, 1-based): chr3:87,264,390, G>T on the plus strand (C>A on the coding strand, the complement: POU1F1 is on the minus strand). VCF-style: chr3-87264390-G-T. GRCh37 (hg19) VCF-style: chr3-87313540-G-T.
Other names: c.415C>A, p.Arg139= (NM_001122757.3).
Identifiers: ClinVar variation 4689549 (VCV004689549.2).

ClinVar aggregate classification (germline): Likely benign. Review status: criteria provided, multiple submitters, no conflicts (2 of 4 stars). 2 submissions from 2 submitters: Likely benign (2). Last evaluated 2026-01-27.

Submissions (2):

Women's Health and Genetics/Laboratory Corporation of America, LabCorp
Classification: Likely benign. Last evaluated: 2026-01-27. Review status: criteria provided, single submitter. Criteria: LabCorp Variant Classification Summary - May 2015. Collection method: clinical testing. Allele origin: germline.
Comment: Variant summary: POU1F1 c.337C>A alters a non-conserved nucleotide resulting in a synonymous change. Consensus agreement among computation tools predict no significant impact on normal splicing. However, these predictions have yet to be confirmed by functional studies. The variant allele was found at a frequency of 4e-06 in 251220 control chromosomes. The available data on variant occurrences in the general population are insufficient to allow any conclusion about variant significance. To our knowledge, no occurrence of c.337C>A in individuals affected with POU1F1-related conditions and no experimental evidence demonstrating its impact on protein function have been reported. No submitters have cited clinical-significance assessments for this variant to ClinVar. Based on the evidence outlined above, the variant was classified as likely benign.

Blueprint Genetics
Classification: Likely benign. Last evaluated: 2019-11-25. Review status: criteria provided, single submitter. Criteria: ACMG Guidelines, 2015. Collection method: clinical testing. Allele origin: germline.